The following is an entry in ClinVar:

ClinVar aggregate classification (germline): Benign/Likely benign. Review status: criteria provided, multiple submitters, no conflicts (2 of 4 stars). 3 submissions from 3 submitters: Benign (1); Likely benign (2). Last evaluated 2026-06-03.

Conditions:
Inborn genetic diseases. Identifiers: MedGen C0950123, MeSH D030342.
LONP1-related disorder. Also called: LONP1-related disorders; LONP1-related condition.

Allele frequency attached by ClinVar (database versions not stated): TOPMed 0.00008; gnomAD 0.00010 and 0.00021; gnomAD exomes 0.00021 and 0.00037; 1000 Genomes Project 0.00040; ExAC 0.00043; 1000 Genomes Project 30x 0.00047.
gnomAD v4.1: 343 of 1,613,432 alleles (0.021%); highest among the groups gnomAD compares: South Asian, 0.32%; 10 homozygotes.

Submissions (3):

PreventionGenetics, part of Exact Sciences
Classification: Likely benign for LONP1-related condition. Last evaluated: 2026-06-03. Review status: criteria provided, single submitter. Criteria: ACMG Guidelines, 2015. Collection method: clinical testing. Allele origin: germline.
Comment: This variant is classified as likely benign based on ACMG/AMP sequence variant interpretation guidelines (Richards et al. 2015 PMID: 25741868, with internal and published modifications).

Labcorp Genetics (formerly Invitae), Labcorp
Classification: Benign. Last evaluated: 2025-08-03. Review status: criteria provided, single submitter. Criteria: Invitae Variant Classification Sherloc (09022015). Collection method: clinical testing. Allele origin: germline.

Ambry Genetics
Classification: Likely benign for Inborn genetic diseases. Last evaluated: 2021-06-11. Review status: criteria provided, single submitter. Criteria: Ambry Variant Classification Scheme 2023. Collection method: clinical testing. Allele origin: germline.

NM_004793.4(LONP1):c.2657C>T (p.Thr886Met)

Gene: LONP1 (lon peptidase 1, mitochondrial; minus strand). Cytogenetic location: 19p13.3.
Variant type: single nucleotide variant.
Coding change: c.2657C>T on transcript NM_004793.4 (MANE Select); coding-DNA position 2657, C replaced by T.
Protein change: p.Thr886Met; replaces threonine 886 with methionine.
Molecular consequence: missense variant. On other transcripts: non-coding transcript variant (1).
Genome position (GRCh38, 1-based): chr19:5,693,344, G>A on the plus strand (C>T on the coding strand, the complement: LONP1 is on the minus strand). VCF-style: chr19-5693344-G-A. GRCh37 (hg19) VCF-style: chr19-5693355-G-A.
Other names: c.2465C>T, p.Thr822Met (NM_001276479.2); c.2069C>T, p.Thr690Met (NM_001276480.1); c.2657C>T (NM_004793.2); short protein forms T690M, T822M, T886M.
Identifiers: ClinVar variation 749412 (VCV000749412.11), dbSNP rs567475359, ClinGen allele CA9114027.
Genomic context (GRCh38, chr19:5,693,344, plus strand): 5'-ACAGGGACACTCACCGCAATGGTCTTCTCCTTGATGCCACCAACAGGCAGGATCTTGCCC[G>A]TGAGGGAGACTTCGCCAGTCATGGCCAGATTCTGCCGGACAGGCCTGCCCATGGCCAGGG-3'
Protein context (NP_004784.2, residues 876-896): NLAMTGEVSL[Thr886Met]GKILPVGGIK